The following is an entry in ClinVar:

NM_000038.6(APC):c.1301A>T (p.Asp434Val)

Gene: APC (APC regulator of Wnt signaling pathway; plus strand). Cytogenetic location: 5q22.2.
Variant type: single nucleotide variant.
Coding change: c.1301A>T on transcript NM_000038.6 (MANE Select); coding-DNA position 1301, A replaced by T.
Protein change: p.Asp434Val; replaces aspartic acid 434 with valine.
Molecular consequence: missense variant.
Genome position (GRCh38, 1-based): chr5:112,819,333, A>T. VCF-style: chr5-112819333-A-T. GRCh37 (hg19) VCF-style: chr5-112155030-A-T.
Other names: c.1301A>T, p.Asp434Val (NM_001127510.3, NM_001354895.2, NM_001354896.2); c.1247A>T, p.Asp416Val (NM_001127511.3); c.1331A>T, p.Asp444Val (NM_001354897.2); c.1226A>T, p.Asp409Val (NM_001354898.2); c.1217A>T, p.Asp406Val (NM_001354899.2); c.1124A>T, p.Asp375Val (NM_001354900.2, NM_001354901.2); c.1028A>T, p.Asp343Val (NM_001354902.2); c.998A>T, p.Asp333Val (NM_001354903.2); and 3 more; short protein forms D151V, D343V, D375V, D409V, D434V, D274V, D308V, D406V.
Identifiers: ClinVar variation 837969 (VCV000837969.15), dbSNP rs1762873545, ClinGen allele CA16024155.

ClinVar aggregate classification (germline): Uncertain significance. Review status: criteria provided, multiple submitters, no conflicts (2 of 4 stars). 2 submissions from 2 submitters: Uncertain significance (2). Last evaluated 2026-02-27.

Conditions:
Hereditary cancer-predisposing syndrome. Also called: Hereditary Cancer Syndrome; Tumor predisposition; Neoplastic Syndromes, Hereditary; Hereditary neoplastic syndrome. Identifiers: Orphanet 140162, MedGen C0027672, MeSH D009386, MONDO:0015356.
Familial adenomatous polyposis 1 (FAP1). Also called: FAMILIAL ADENOMATOUS POLYPOSIS 1, ATTENUATED; POLYPOSIS, ADENOMATOUS INTESTINAL. Identifiers: MedGen C2713442, MONDO:0021056, OMIM 175100. Disease mechanism: loss of function.

Submissions (2):

Ambry Genetics
Classification: Uncertain significance for Hereditary cancer-predisposing syndrome. Last evaluated: 2026-02-27. Review status: criteria provided, single submitter. Criteria: Ambry Variant Classification Scheme 2023. Collection method: clinical testing. Allele origin: germline.

Labcorp Genetics (formerly Invitae), Labcorp
Classification: Uncertain significance for Familial adenomatous polyposis 1. Last evaluated: 2025-12-18. Review status: criteria provided, single submitter. Criteria: Invitae Variant Classification Sherloc (09022015). Collection method: clinical testing. Allele origin: germline.
Comment: This sequence change replaces aspartic acid, which is acidic and polar, with valine, which is neutral and non-polar, at codon 434 of the APC protein (p.Asp434Val). This variant is not present in population databases (gnomAD no frequency). This variant has not been reported in the literature in individuals affected with APC-related conditions. ClinVar contains an entry for this variant (Variation ID: 837969). Invitae Evidence Modeling of protein sequence and biophysical properties (such as structural, functional, and spatial information, amino acid conservation, physicochemical variation, residue mobility, and thermodynamic stability) indicates that this missense variant is not expected to disrupt APC protein function with a negative predictive value of 95%. Studies have shown that this missense change is associated with inconclusive levels of altered splicing (internal data). In summary, the available evidence is currently insufficient to determine the role of this variant in disease. Therefore, it has been classified as a Variant of Uncertain Significance.